The following is an entry in ClinVar:

NM_002506.2(NGF):c.-367C>T

Genes: NGF (nerve growth factor; minus strand), NGF-AS1 (NGF antisense RNA 1; plus strand). Cytogenetic location: 1p13.2.
Variant type: single nucleotide variant.
Coding change: c.-367C>T on transcript NM_002506.2; 367 bases upstream of the start codon, C replaced by T.
Genome position (GRCh38, 1-based): chr1:115,338,434, G>A on the plus strand (C>T on the coding strand, the complement: NGF is on the minus strand). VCF-style: chr1-115338434-G-A. GRCh37 (hg19) VCF-style: chr1-115881055-G-A.
Identifiers: ClinVar variation 667672 (VCV000667672.3), dbSNP rs11102930, ClinGen allele CA10737260.

ClinVar aggregate classification (germline): Benign (1 of 4 stars; one submission).

Allele frequency attached by ClinVar (database versions not stated): gnomAD 0.54391 and 0.54560; 1000 Genomes Project 30x 0.46268; 1000 Genomes Project 0.46805; TOPMed 0.52185.

Submission:

GeneDx
Classification: Benign. Last evaluated: 2018-06-20. Review status: criteria provided, single submitter. Criteria: GeneDx Variant Classification (06012015). Collection method: clinical testing. Allele origin: germline. Affected: yes.
Comment: This variant is considered likely benign or benign based on one or more of the following criteria: it is a conservative change, it occurs at a poorly conserved position in the protein, it is predicted to be benign by multiple in silico algorithms, and/or has population frequency not consistent with disease.